The following is an entry in ClinVar:

ClinVar aggregate classification (germline): Likely benign (1 of 4 stars; one submission).

Allele frequency attached by ClinVar (database versions not stated): gnomAD exomes below 0.00001; TOPMed below 0.00001.
gnomAD v4.1: 4 of 1,601,252 alleles (0.00025%); highest among the groups gnomAD compares: Middle Eastern, 0.017%; no homozygotes.

Submission:

CeGaT Center for Human Genetics Tuebingen
Classification: Likely benign. Last evaluated: 2023-02-01. Review status: criteria provided, single submitter. Criteria: CeGaT Center For Human Genetics Tuebingen Variant Classification Criteria Version 2. Collection method: clinical testing. Allele origin: germline. Affected: yes. Observed: 1 variant allele.
Comment: KIF1C: PM2:Supporting, BP4, BP7

NM_006612.6(KIF1C):c.1633C>T (p.Leu545=)

Gene: KIF1C (kinesin family member 1C; plus strand). Cytogenetic location: 17p13.2.
Variant type: single nucleotide variant.
Coding change: c.1633C>T on transcript NM_006612.6 (MANE Select); coding-DNA position 1633, C replaced by T.
Protein change: p.Leu545=; no amino-acid change (leucine 545 retained).
Molecular consequence: synonymous variant.
Genome position (GRCh38, 1-based): chr17:5,014,804, C>T. VCF-style: chr17-5014804-C-T. GRCh37 (hg19) VCF-style: chr17-4918099-C-T.
Identifiers: ClinVar variation 2647282 (VCV002647282.24), dbSNP rs1023677825, ClinGen allele CA287180402.